The following is an entry in ClinVar:

ClinVar aggregate classification (germline): Pathogenic. Review status: criteria provided, multiple submitters, no conflicts (2 of 4 stars). 3 submissions from 3 submitters: Pathogenic (2). 1 of the submissions does not count toward it. Last evaluated 2022-07-12.

Conditions:
Joubert syndrome 21 (JBTS21). Identifiers: MedGen C3810212, MONDO:0014288, OMIM 615636.

Allele frequency attached by ClinVar (database versions not stated): TOPMed 0.00002.
gnomAD v4.1: 1 of 1,609,486 alleles (0.000062%); highest among the groups gnomAD compares: Admixed American, 0.0017%; no homozygotes.

Submissions (4):

Labcorp Genetics (formerly Invitae), Labcorp
Classification: Pathogenic for Joubert syndrome 21. Last evaluated: 2022-07-12. Review status: criteria provided, single submitter. Criteria: Invitae Variant Classification Sherloc (09022015). Collection method: clinical testing. Allele origin: germline.
Comment: For these reasons, this variant has been classified as Pathogenic. Algorithms developed to predict the effect of sequence changes on RNA splicing suggest that this variant may disrupt the consensus splice site. ClinVar contains an entry for this variant (Variation ID: 100670). Disruption of this splice site has been observed in individual(s) with Joubert syndrome (PMID: 24360808). In at least one individual the data is consistent with being in trans (on the opposite chromosome) from a pathogenic variant. This variant is not present in population databases (gnomAD no frequency). This sequence change affects a donor splice site in intron 23 of the CSPP1 gene. It is expected to disrupt RNA splicing. Variants that disrupt the donor or acceptor splice site typically lead to a loss of protein function (PMID: 16199547), and loss-of-function variants in CSPP1 are known to be pathogenic (PMID: 24360807, 24360808).

UW Hindbrain Malformation Research Program, University of Washington
Classification: Pathogenic for Joubert syndrome 21. Last evaluated: 2015-02-23. Review status: criteria provided, single submitter. Criteria: Bachmann-Gagescu et al. (J Med Genet. 2015). Collection method: research. Allele origin: unknown. Affected: yes.

OMIM
Classification: Pathogenic for JOUBERT SYNDROME 21. Last evaluated: 2014-01-02. Review status: no assertion criteria provided. Collection method: literature only. Allele origin: germline. Not counted in ClinVar's aggregate classification.

Dr. Peter K. Rogan Lab, Western University
No classification provided (evidence only). Condition: Squamous cell lung carcinoma. Review status: no classification provided. Collection method: in vitro. Allele origin: not applicable. Functional consequence: skipped exon, retained intron. Not counted in ClinVar's aggregate classification.

Literature cited by the submitters: PubMed 24360808 (cited by Labcorp Genetics (formerly Invitae), Labcorp and OMIM); PubMed 16199547 (cited by Labcorp Genetics (formerly Invitae), Labcorp); PubMed 24360807 (cited by Labcorp Genetics (formerly Invitae), Labcorp).

NM_001382391.1(CSPP1):c.2968+1G>A

Gene: CSPP1 (centrosome and spindle pole associated protein 1; plus strand). Cytogenetic location: 8q13.2.
Variant type: single nucleotide variant.
Coding change: c.2968+1G>A on transcript NM_001382391.1 (MANE Select); the canonical splice donor site of the intron after coding-DNA position 2968, G replaced by A.
Molecular consequence: splice donor variant.
Genome position (GRCh38, 1-based): chr8:67,172,556, G>A. VCF-style: chr8-67172556-G-A. GRCh37 (hg19) VCF-style: chr8-68084791-G-A.
Other names: IVS22DS, G-A, +1; c.2773+1G>A (NM_001363132.2); c.2887+1G>A (NM_001363131.2); c.2692+1G>A (NM_001363133.2); c.3034+1G>A (NM_001364869.1); c.2953+1G>A (NM_024790.7, NM_001438331.1); c.2800+1G>A (NM_001438330.1); c.2854+1G>A (NM_001364870.1); and 2 more.
Identifiers: ClinVar variation 100670 (VCV000100670.8), dbSNP rs587777142, ClinGen allele CA150610.